The following is an entry in ClinVar:

NM_001042492.3(NF1):c.7560A>G (p.Lys2520=)

Gene: NF1 (neurofibromin 1; plus strand). Cytogenetic location: 17q11.2.
Variant type: single nucleotide variant.
Coding change: c.7560A>G on transcript NM_001042492.3 (MANE Select); coding-DNA position 7560, A replaced by G.
Protein change: p.Lys2520=; no amino-acid change (lysine 2520 retained).
Molecular consequence: synonymous variant.
Genome position (GRCh38, 1-based): chr17:31,352,359, A>G. VCF-style: chr17-31352359-A-G. GRCh37 (hg19) VCF-style: chr17-29679377-A-G.
Other names: c.7497A>G, p.Lys2499= (NM_000267.4).
Identifiers: ClinVar variation 745275 (VCV000745275.13), dbSNP rs1597862203, ClinGen allele CA499239298.

ClinVar aggregate classification (germline): Benign/Likely benign. Review status: criteria provided, multiple submitters, no conflicts (2 of 4 stars). 3 submissions from 3 submitters: Benign (1); Likely benign (2). Last evaluated 2026-05-21.

Conditions:
Neurofibromatosis, type 1 (NF1). Also called: NEUROFIBROMATOSIS, TYPE I, SOMATIC; Peripheral type neurofibromatosis; VON RECKLINGHAUSEN DISEASE; Neurofibromatosis, type I. Identifiers: Orphanet 636, MedGen C0027831, MONDO:0018975, OMIM 162200. Disease mechanism: loss of function.
Cardiovascular phenotype. Identifiers: MedGen CN230736.
Hereditary cancer-predisposing syndrome. Also called: Tumor predisposition; Hereditary Cancer Syndrome; Hereditary neoplastic syndrome; Neoplastic Syndromes, Hereditary. Identifiers: Orphanet 140162, MedGen C0027672, MeSH D009386, MONDO:0015356.

Allele frequency attached by ClinVar (database versions not stated): gnomAD exomes below 0.00001.
gnomAD v4.1: 2 of 1,614,142 alleles (0.00012%); highest among the groups gnomAD compares: Non-Finnish European, 0.00017%; no homozygotes.

Submissions (3):

Myriad Genetics, Inc.
Classification: Benign for Neurofibromatosis, type 1. Last evaluated: 2026-05-21. Review status: criteria provided, single submitter. Criteria: Myriad Autosomal Dominant, Autosomal Recessive and X-Linked Classification Criteria (2023). Collection method: clinical testing. Allele origin: unknown.
Comment: This variant is considered benign. This variant is a silent/synonymous amino acid change and it is not expected to impact splicing.

Labcorp Genetics (formerly Invitae), Labcorp
Classification: Likely benign for Neurofibromatosis, type 1. Last evaluated: 2025-02-02. Review status: criteria provided, single submitter. Criteria: Invitae Variant Classification Sherloc (09022015). Collection method: clinical testing. Allele origin: germline.

Ambry Genetics
Classification: Likely benign for Cardiovascular phenotype; Hereditary cancer-predisposing syndrome. Last evaluated: 2021-03-15. Review status: criteria provided, single submitter. Criteria: Ambry Variant Classification Scheme 2023. Collection method: clinical testing. Allele origin: germline.